The following is an entry in ClinVar:

NM_020987.5(ANK3):c.11514C>A (p.His3838Gln)

Gene: ANK3 (ankyrin 3; minus strand). Cytogenetic location: 10q21.2.
Variant type: single nucleotide variant.
Coding change: c.11514C>A on transcript NM_020987.5 (MANE Select); coding-DNA position 11514, C replaced by A.
Protein change: p.His3838Gln; replaces histidine 3838 with glutamine.
Molecular consequence: missense variant. On other transcripts: intron variant (4).
Genome position (GRCh38, 1-based): chr10:60,069,367, G>T on the plus strand (C>A on the coding strand, the complement: ANK3 is on the minus strand). VCF-style: chr10-60069367-G-T. GRCh37 (hg19) VCF-style: chr10-61829125-G-T.
Other names: c.4388-1358C>A (NM_001204403.2); c.4409-1358C>A (NM_001204404.2); c.4406-1358C>A (NM_001320874.2); c.1808-1358C>A (NM_001149.4); short protein forms H3838Q.
Identifiers: ClinVar variation 4882533 (VCV004882533.2).
Genomic context (GRCh38, chr10:60,069,367, plus strand): 5'-CCCTATCAATTCCTTTGTTTTTTGCTGTTCTCCAAGAACTTTCTGCTTATCTCTTACACA[G>T]TGTCCTTGTAGTACCCCTGTCTTTTTTCCTGATGAGACTTTCACTGGGTTATCTTTCTCT-3'
Protein context (NP_066267.2, residues 3828-3848): SGKKTGVLQG[His3838Gln]CVRDKQKVLG

ClinVar aggregate classification (germline): Uncertain significance (1 of 4 stars; one submission).

Submission:

Dasa
Classification: Uncertain significance. Last evaluated: 2025-11-25. Review status: criteria provided, single submitter. Criteria: DASA Assertion Criteria. Collection method: clinical testing. Allele origin: germline.
Comment: NM_020987.5(ANK3):c.11514C>A (p.His3838Gln) is a missense variant that results in the substitution of histidine with glutamine. This variant is absent from population databases. Computational prediction algorithms are consistent with a benign effect. The currently available literature and clinical evidence are not sufficient to establish a definitive association between this variant and the reported condition. Therefore, this variant is classified as a variant of uncertain significance.